The following is an entry in ClinVar:

NM_007294.4(BRCA1):c.431dup (p.Asn144fs)

Gene: BRCA1 (BRCA1 DNA repair associated; minus strand). Cytogenetic location: 17q21.31.
Variant type: Duplication.
Coding change: c.431dup on transcript NM_007294.4 (MANE Select); coding-DNA position 431, one base duplicated (A; older notation c.431dupA).
Protein change: p.Asn144fs; shifts the reading frame from asparagine 144.
Molecular consequence: frameshift variant. On other transcripts: non-coding transcript variant (1).
Genome position (GRCh38, 1-based): chr17:43,104,132, T duplicated on the plus strand (A on the coding strand, the reverse complement: BRCA1 is on the minus strand); the first of 4 consecutive T bases (chr17:43,104,132-43,104,135); duplicating any one gives the same sequence. VCF-style (leftmost placement, unchanged base first): chr17-43104131-A-AT. GRCh37 (hg19) VCF-style: chr17-41256148-A-AT.
Other names: 550insA; NP_009225.1:p.Asn144LysfsTer15; c.431dup, p.Asn144fs (NM_007294.3, NM_007299.4, NM_007300.4); c.419dup, p.Asn141Lysfs (NM_001407646.1, NM_001407647.1, NM_001408408.1); c.428dup, p.Asn144Lysfs (NM_001407648.1, NM_001407649.1, NM_001407652.1 and 163 more transcripts); c.350dup, p.Asn118Lysfs (NM_001407653.1, NM_001407654.1, NM_001407655.1 and 21 more transcripts); c.287dup, p.Asn97Lysfs (NM_001407692.1, NM_001407694.1, NM_001407695.1 and 98 more transcripts); c.218dup, p.Asn74Lysfs (NM_001407853.1, NM_001407879.1, NM_001407881.1 and 58 more transcripts); and 3 more; short protein forms N144fs, N97fs.
Identifiers: ClinVar variation 266469 (VCV000266469.29), dbSNP rs397509162, ClinGen allele CA10590008.

ClinVar aggregate classification (germline): Pathogenic. Review status: reviewed by expert panel (3 of 4 stars). 3 submissions from 3 submitters: Pathogenic (1). 2 of the submissions do not count toward it. Last evaluated 2016-10-18.

Conditions:
Hereditary breast ovarian cancer syndrome. Also called: Hereditary breast and ovarian cancer syndrome (HBOC); Breast and ovarian cancer; Hereditary breast and ovarian cancer syndrome; Hereditary breast and ovarian cancer; BRCA1- and BRCA2-Associated Hereditary Breast and Ovarian Cancer; Hereditary breast and/or ovarian cancer syndrome. Identifiers: Orphanet 145, MedGen C0677776, MeSH D061325, MONDO:0003582. Disease mechanism: loss of function.
Breast-ovarian cancer, familial, susceptibility to, 1 (BROVCA1). Also called: BRCA1 Hereditary Breast and Ovarian Cancer; OVARIAN CANCER, SUSCEPTIBILITY TO. Identifiers: Orphanet 145, MedGen C2676676, MONDO:0011450, OMIM 604370. Disease mechanism: loss of function.

Submissions (3):

Evidence-based Network for the Interpretation of Germline Mutant Alleles (ENIGMA)
Classification: Pathogenic for Breast-ovarian cancer, familial, susceptibility to, 1. Last evaluated: 2016-10-18. Review status: reviewed by expert panel. Criteria: ENIGMA BRCA1/2 Classification Criteria (2015). Collection method: curation. Allele origin: germline.
Comment: Variant allele predicted to encode a truncated non-functional protein.

National Health Laboratory Service, Universitas Academic Hospital and University of the Free State
Classification: Pathogenic for Hereditary breast ovarian cancer syndrome. Last evaluated: 2021-11-16. Review status: criteria provided, single submitter. Criteria: ACMG Guidelines, 2015. Collection method: clinical testing. Allele origin: germline. Affected: yes. Observed: 4 variant alleles. Not counted in ClinVar's aggregate classification.

Consortium of Investigators of Modifiers of BRCA1/2 (CIMBA), c/o University of Cambridge
Classification: Pathogenic for Breast-ovarian cancer, familial, susceptibility to, 1. Last evaluated: 2015-10-02. Review status: criteria provided, single submitter. Criteria: CIMBA Mutation Classification guidelines May 2016. Collection method: clinical testing. Allele origin: germline. Not counted in ClinVar's aggregate classification.

Literature cited by the submitters: DOI 10.3389/fgene.2022.834265 (cited by National Health Laboratory Service, Universitas Academic Hospital and University of the Free State).